The following is an entry in ClinVar:

ClinVar aggregate classification (germline): Uncertain significance. Review status: criteria provided, multiple submitters, no conflicts (2 of 4 stars). 3 submissions from 3 submitters: Uncertain significance (3). Last evaluated 2025-02-22.

Conditions:
Combined immunodeficiency due to STIM1 deficiency. Also called: STIM1 DEFICIENCY; IMMUNODEFICIENCY 10. Identifiers: Orphanet 169090, Orphanet 317430, MedGen C2748557, MONDO:0013008, OMIM 612783.
Myopathy with tubular aggregates (TAM). Also called: Tubular Aggregate Myopathy. Identifiers: Orphanet 2593, MedGen C0410207, MONDO:0008051.
Stormorken syndrome (STRMK). Also called: THROMBOCYTOPATHY, ASPLENIA, AND MIOSIS. Identifiers: Orphanet 3204, MedGen C1861451, MONDO:0008497, OMIM 185070.
Inborn genetic diseases. Identifiers: MedGen C0950123, MeSH D030342.

Allele frequency attached by ClinVar (database versions not stated): gnomAD exomes below 0.00001; TOPMed below 0.00001.
gnomAD v4.1: 1 of 1,592,784 alleles (0.000063%); highest among the groups gnomAD compares: Admixed American, 0.0017%; no homozygotes.

Submissions (3):

Ambry Genetics
Classification: Uncertain significance for Inborn genetic diseases. Last evaluated: 2025-02-22. Review status: criteria provided, single submitter. Criteria: Ambry Variant Classification Scheme 2023. Collection method: clinical testing. Allele origin: germline.

Blueprint Genetics
Classification: Uncertain significance. Last evaluated: 2022-01-14. Review status: criteria provided, single submitter. Criteria: ACMG Guidelines, 2015. Collection method: clinical testing. Allele origin: germline.

Labcorp Genetics (formerly Invitae), Labcorp
Classification: Uncertain significance for Myopathy with tubular aggregates; Combined immunodeficiency due to STIM1 deficiency; Stormorken syndrome. Last evaluated: 2020-06-15. Review status: criteria provided, single submitter. Criteria: Invitae Variant Classification Sherloc (09022015). Collection method: clinical testing. Allele origin: germline.
Comment: In summary, the available evidence is currently insufficient to determine the role of this variant in disease. Therefore, it has been classified as a Variant of Uncertain Significance. Algorithms developed to predict the effect of missense changes on protein structure and function do not agree on the potential impact of this missense change (SIFT: "Tolerated"; PolyPhen-2: "Probably Damaging"; Align-GVGD: "Class C0"). This variant has not been reported in the literature in individuals with STIM1-related disease. This variant is not present in population databases (ExAC no frequency). This sequence change replaces glutamine with proline at codon 158 of the STIM1 protein (p.Gln158Pro). The glutamine residue is moderately conserved and there is a moderate physicochemical difference between glutamine and proline.

NM_001382567.1(STIM1):c.473A>C (p.Gln158Pro)

Gene: STIM1 (stromal interaction molecule 1; plus strand). Cytogenetic location: 11p15.4.
Variant type: single nucleotide variant.
Coding change: c.473A>C on transcript NM_001382567.1 (MANE Select); coding-DNA position 473, A replaced by C.
Protein change: p.Gln158Pro; replaces glutamine 158 with proline.
Molecular consequence: missense variant. On other transcripts: 5 prime UTR variant (2), non-coding transcript variant (3), intron variant (2).
Genome position (GRCh38, 1-based): chr11:4,055,613, A>C. VCF-style: chr11-4055613-A-C. GRCh37 (hg19) VCF-style: chr11-4076843-A-C.
Other names: c.473A>C, p.Gln158Pro (NM_001277961.3, NM_001277962.2, NM_001382568.1 and 2 more transcripts); c.251A>C, p.Gln84Pro (NM_001382566.1, NM_001382573.1, NM_001382574.1 and 5 more transcripts); c.338A>C, p.Gln113Pro (NM_001382569.1); c.-17A>C (NM_001382580.1, NM_001382581.1); c.386-14413A>C (NM_001382570.1); c.18-3668A>C (NM_001382571.1); short protein forms Q158P, Q113P, Q84P.
Identifiers: ClinVar variation 530881 (VCV000530881.12), dbSNP rs899854132, ClinGen allele CA216348320.